The following is an entry in ClinVar:

ClinVar aggregate classification (germline): Uncertain significance (1 of 4 stars; one submission).

Submission:

Women's Health and Genetics/Laboratory Corporation of America, LabCorp
Classification: Uncertain significance. Last evaluated: 2024-11-06. Review status: criteria provided, single submitter. Criteria: LabCorp Variant Classification Summary - May 2015. Collection method: clinical testing. Allele origin: germline.
Comment: Variant summary: CAPN3 c.2009C>A (p.Ala670Glu) results in a non-conservative amino acid change located in the Calpain-3, penta-EF-hand domain (IPR029531) of the encoded protein sequence. Four of five in-silico tools predict a damaging effect of the variant on protein function. The variant was absent in 251412 control chromosomes (gnomAD). The available data on variant occurrences in the general population are insufficient to allow any conclusion about variant significance. c.2009C>A has been reported in the literature in at least one individual affected with Limb-Girdle Muscular Dystrophy, Autosomal Recessive (Zhong_2021). These report(s) do not provide unequivocal conclusions about association of the variant with Limb-Girdle Muscular Dystrophy, Autosomal Recessive. To our knowledge, no experimental evidence demonstrating an impact on protein function has been reported. The following publication have been ascertained in the context of this evaluation (PMID: 32994280). No submitters have cited clinical-significance assessments for this variant to ClinVar. Based on the evidence outlined above, the variant was classified as uncertain significance.

Literature cited by the submitters: PubMed 32994280.

NM_000070.3(CAPN3):c.2009C>A (p.Ala670Glu)

Gene: CAPN3 (calpain 3; plus strand). Cytogenetic location: 15q15.1.
Variant type: single nucleotide variant.
Coding change: c.2009C>A on transcript NM_000070.3 (MANE Select); coding-DNA position 2009, C replaced by A.
Protein change: p.Ala670Glu; replaces alanine 670 with glutamic acid.
Molecular consequence: missense variant.
Genome position (GRCh38, 1-based): chr15:42,409,803, C>A. VCF-style: chr15-42409803-C-A. GRCh37 (hg19) VCF-style: chr15-42702001-C-A.
Other names: c.1991C>A, p.Ala664Glu (NM_024344.2); c.1733C>A, p.Ala578Glu (NM_173087.2); c.473C>A, p.Ala158Glu (NM_173088.2); c.14C>A, p.Ala5Glu (NM_173089.2, NM_173090.2); short protein forms A158E, A578E, A5E, A664E, A670E.
Identifiers: ClinVar variation 3629789 (VCV003629789.1).